The following is an entry in ClinVar:

NM_173728.4(ARHGEF15):c.1810C>T (p.Arg604Cys)

Gene: ARHGEF15 (Rho guanine nucleotide exchange factor 15; plus strand). Cytogenetic location: 17p13.1.
Variant type: single nucleotide variant.
Coding change: c.1810C>T on transcript NM_173728.4 (MANE Select); coding-DNA position 1810, C replaced by T.
Protein change: p.Arg604Cys; replaces arginine 604 with cysteine.
Molecular consequence: missense variant.
Genome position (GRCh38, 1-based): chr17:8,318,600, C>T. VCF-style: chr17-8318600-C-T. GRCh37 (hg19) VCF-style: chr17-8221918-C-T.
Other names: c.1810C>T, p.Arg604Cys (NM_025014.2); short protein forms R604C.
Identifiers: ClinVar variation 100786 (VCV000100786.12), dbSNP rs587777166, ClinGen allele CA228968.

ClinVar aggregate classification (germline): Uncertain significance. Review status: criteria provided, single submitter (1 of 4 stars). 2 submissions from 2 submitters: Uncertain significance (1). 1 of the submissions does not count toward it. Last evaluated 2024-02-24.

Conditions:
Early-infantile DEE. Also called: Early infantile epileptic encephalopathy; Ohtahara syndrome; Early infantile epileptic encephalopathy with suppression bursts. Identifiers: Orphanet 1934, MedGen C0393706, MONDO:0800491.

Allele frequency attached by ClinVar (database versions not stated): gnomAD 0.00002 and 0.00003; gnomAD exomes 0.00005 and 0.00014; TOPMed 0.00007; ExAC 0.00017.
gnomAD v4.1: 84 of 1,613,690 alleles (0.0052%); highest among the groups gnomAD compares: East Asian, 0.13%; no homozygotes.

Submissions (2):

Labcorp Genetics (formerly Invitae), Labcorp
Classification: Uncertain significance for Early-infantile DEE. Last evaluated: 2024-02-24. Review status: criteria provided, single submitter. Criteria: Invitae Variant Classification Sherloc (09022015). Collection method: clinical testing. Allele origin: germline.
Comment: This sequence change replaces arginine, which is basic and polar, with cysteine, which is neutral and slightly polar, at codon 604 of the ARHGEF15 protein (p.Arg604Cys). The frequency data for this variant in the population databases is considered unreliable, as metrics indicate poor data quality at this position in the gnomAD database. This missense change has been observed in individual(s) with epileptic encephalopathy (PMID: 23647072). ClinVar contains an entry for this variant (Variation ID: 100786). An algorithm developed to predict the effect of missense changes on protein structure and function (PolyPhen-2) suggests that this variant is likely to be disruptive. In summary, the available evidence is currently insufficient to determine the role of this variant in disease. Therefore, it has been classified as a Variant of Uncertain Significance.

OMIM
Classification: Uncertain significance for VARIANT OF UNKNOWN SIGNIFICANCE. Last evaluated: 2013-07-01. Review status: no assertion criteria provided. Collection method: literature only. Allele origin: germline. Not counted in ClinVar's aggregate classification.

Literature cited by the submitters: PubMed 23647072 (cited by Labcorp Genetics (formerly Invitae), Labcorp and OMIM).